The following is an entry in ClinVar:

NC_000023.10:g.(?_31838072)_(31854956_?)dup

Gene: DMD (dystrophin; minus strand). Cytogenetic location: Xp21.1.
Variant type: Duplication.
Identifiers: ClinVar variation 2424977 (VCV002424977.5).

ClinVar aggregate classification (germline): Pathogenic (1 of 4 stars; one submission).

Conditions:
Duchenne muscular dystrophy (DMD). Also called: Duchenne Muscular Dystrophy (DMD); MUSCULAR DYSTROPHY, PSEUDOHYPERTROPHIC PROGRESSIVE, DUCHENNE TYPE. Identifiers: Orphanet 98896, MedGen C0013264, MONDO:0010679, OMIM 310200.

Submission:

Labcorp Genetics (formerly Invitae), Labcorp
Classification: Pathogenic for Duchenne muscular dystrophy. Last evaluated: 2022-02-13. Review status: criteria provided, single submitter. Criteria: Invitae Variant Classification Sherloc (09022015). Collection method: clinical testing. Allele origin: germline.
Comment: For these reasons, this variant has been classified as Pathogenic. A similar copy number variant has been observed in individuals with Duchenne or Becker muscular dystrophy (PMID: 26911353, 31705731). This variant results in a copy number gain of the genomic region encompassing exon(s) 49-50 of the DMD gene. While the exact position of this variant cannot be determined from the data, sub-genic copy number gains are generally in tandem (PMID: 25640679). This variant is predicted to be out-of-frame, and may result in an absent or disrupted protein product. Loss-of-function variants in DMD are known to be pathogenic (PMID: 16770791, 25007885).

Literature cited by the submitters: PubMed 26911353; PubMed 31705731; PubMed 25640679; PubMed 16770791; PubMed 25007885.